The following is an entry in ClinVar:

NM_015178.3(RHOBTB2):c.923C>G (p.Pro308Arg)

Gene: RHOBTB2 (Rho related BTB domain containing 2; plus strand). Cytogenetic location: 8p21.3.
Variant type: single nucleotide variant.
Coding change: c.923C>G on transcript NM_015178.3 (MANE Select); coding-DNA position 923, C replaced by G.
Protein change: p.Pro308Arg; replaces proline 308 with arginine.
Molecular consequence: missense variant.
Genome position (GRCh38, 1-based): chr8:23,007,168, C>G. VCF-style: chr8-23007168-C-G. GRCh37 (hg19) VCF-style: chr8-22864681-C-G.
Other names: c.989C>G, p.Pro330Arg (NM_001160036.2); c.944C>G, p.Pro315Arg (NM_001160037.2); c.923C>G, p.Pro308Arg (NM_001374791.1); short protein forms P308R, P315R, P330R.
Identifiers: ClinVar variation 5037627 (VCV005037627.1).
Genomic context (GRCh38, chr8:23,007,168, plus strand): 5'-CTTCCTCCAAGTTCTATGACCTGTTCCTCATGGACCTGAGTGAGGGGGAGCTGGGGGGCC[C>G]CTCGGAGCCAGGGGGCACCCACCCAGAGGACCACCAGGGCCACTCTGATCAACACCACCA-3'
Protein context (NP_055993.2, residues 298-318): MDLSEGELGG[Pro308Arg]SEPGGTHPED

ClinVar aggregate classification (germline): Uncertain significance (1 of 4 stars; one submission).

Submission:

GeneDx
Classification: Uncertain significance. Last evaluated: 2026-04-23. Review status: criteria provided, single submitter. Criteria: GeneDx Variant Classification Process June 2021. Collection method: clinical testing. Allele origin: germline.
Comment: Not observed at significant frequency in large population cohorts (gnomAD); In silico analysis suggests that this missense variant does not alter protein structure/function; Has not been previously published as pathogenic or benign to our knowledge